The following is an entry in ClinVar:

ClinVar aggregate classification (germline): Uncertain significance (1 of 4 stars; one submission).

Allele frequency attached by ClinVar (database versions not stated): TOPMed below 0.00001.
gnomAD v4.1: 3 of 1,550,278 alleles (0.00019%); highest among the groups gnomAD compares: South Asian, 0.0012%; no homozygotes.

Submission:

Labcorp Genetics (formerly Invitae), Labcorp
Classification: Uncertain significance. Last evaluated: 2021-08-24. Review status: criteria provided, single submitter. Criteria: Invitae Variant Classification Sherloc (09022015). Collection method: clinical testing. Allele origin: germline.
Comment: This sequence change replaces tryptophan with cysteine at codon 554 of the PDZD7 protein (p.Trp554Cys). The tryptophan residue is weakly conserved and there is a large physicochemical difference between tryptophan and cysteine. The frequency data for this variant in the population databases is considered unreliable, as metrics indicate insufficient coverage at this position in the ExAC database. This variant has not been reported in the literature in individuals affected with PDZD7-related conditions. Algorithms developed to predict the effect of missense changes on protein structure and function are either unavailable or do not agree on the potential impact of this missense change (SIFT: "Deleterious"; PolyPhen-2: "Not Available"; Align-GVGD: "Class C0"). In summary, the available evidence is currently insufficient to determine the role of this variant in disease. Therefore, it has been classified as a Variant of Uncertain Significance.

NM_001195263.2(PDZD7):c.1662G>C (p.Trp554Cys)

Gene: PDZD7 (PDZ domain containing 7; minus strand). Cytogenetic location: 10q24.31.
Variant type: single nucleotide variant.
Coding change: c.1662G>C on transcript NM_001195263.2 (MANE Select); coding-DNA position 1662, G replaced by C.
Protein change: p.Trp554Cys; replaces tryptophan 554 with cysteine.
Molecular consequence: missense variant.
Genome position (GRCh38, 1-based): chr10:101,015,723, C>G on the plus strand (G>C on the coding strand, the complement: PDZD7 is on the minus strand). VCF-style: chr10-101015723-C-G. GRCh37 (hg19) VCF-style: chr10-102775480-C-G.
Other names: short protein forms W554C.
Identifiers: ClinVar variation 1018232 (VCV001018232.6), dbSNP rs1852590009, ClinGen allele CA378226953.
Genomic context (GRCh38, chr10:101,015,723, plus strand): 5'-CACCTCGTCATCAGTCAGCAGCCTCTGGGCCAGGTCCTGAATGAGGGGCCGCCGGCTCTC[C>G]CAGGCCTGAACCTGCTCATCCACATTAGGCAGCTGGCTGGAGGGACTCCCAGACCTGGCA-3'
Protein context (NP_001182192.1, residues 544-564): LPNVDEQVQA[Trp554Cys]ESRRPLIQDL